The following is an entry in ClinVar:

NM_001183.6(ATP6AP1):c.971+10G>A

Gene: ATP6AP1 (ATPase H+ transporting accessory protein 1; plus strand). Cytogenetic location: Xq28.
Variant type: single nucleotide variant.
Coding change: c.971+10G>A on transcript NM_001183.6 (MANE Select); 10 bases into the intron after coding-DNA position 971, G replaced by A.
Molecular consequence: intron variant.
Genome position (GRCh38, 1-based): chrX:154,435,196, G>A. VCF-style: chrX-154435196-G-A. GRCh37 (hg19) VCF-style: chrX-153663542-G-A.
Identifiers: ClinVar variation 2016125 (VCV002016125.6), dbSNP rs1284592695, ClinGen allele CA873326887.

ClinVar aggregate classification (germline): Conflicting classifications of pathogenicity. Review status: criteria provided, conflicting classifications (1 of 4 stars). 2 submissions from 2 submitters: Uncertain significance (1); Likely benign (1). Last evaluated 2022-12-16.

Conditions:
Immunodeficiency 47 (IMD47). Also called: IMMUNODEFICIENCY AND HEPATOPATHY WITH OR WITHOUT NEUROLOGIC FEATURES. Identifiers: Orphanet 692790, MedGen C4310819, MONDO:0010504, OMIM 300972.

Submissions (2):

Laboratorio de Genetica e Diagnostico Molecular, Hospital Israelita Albert Einstein
Classification: Uncertain significance for Immunodeficiency 47. Last evaluated: 2022-12-16. Review status: criteria provided, single submitter. Criteria: ACMG Guidelines, 2015. Collection method: clinical testing. Allele origin: germline. Affected: yes.
Comment: ACMG classification criteria: PM2 moderated

Labcorp Genetics (formerly Invitae), Labcorp
Classification: Likely benign. Last evaluated: 2022-09-30. Review status: criteria provided, single submitter. Criteria: Invitae Variant Classification Sherloc (09022015). Collection method: clinical testing. Allele origin: germline.